The following is an entry in ClinVar:

NM_003718.5(CDK13):c.2511T>A (p.Asp837Glu)

Gene: CDK13 (cyclin dependent kinase 13; plus strand). Cytogenetic location: 7p14.1.
Variant type: single nucleotide variant.
Coding change: c.2511T>A on transcript NM_003718.5 (MANE Select); coding-DNA position 2511, T replaced by A.
Protein change: p.Asp837Glu; replaces aspartic acid 837 with glutamic acid.
Molecular consequence: missense variant.
Genome position (GRCh38, 1-based): chr7:40,045,993, T>A. VCF-style: chr7-40045993-T-A. GRCh37 (hg19) VCF-style: chr7-40085592-T-A.
Other names: c.2511T>A, p.Asp837Glu (NM_031267.4); short protein forms D837E.
Identifiers: ClinVar variation 3661760 (VCV003661760.2).

ClinVar aggregate classification (germline): Pathogenic (1 of 4 stars; one submission).

Submission:

Labcorp Genetics (formerly Invitae), Labcorp
Classification: Pathogenic. Last evaluated: 2024-08-08. Review status: criteria provided, single submitter. Criteria: Invitae Variant Classification Sherloc (09022015). Collection method: clinical testing. Allele origin: germline.
Comment: This sequence change replaces aspartic acid, which is acidic and polar, with glutamic acid, which is acidic and polar, at codon 837 of the CDK13 protein (p.Asp837Glu). This variant is not present in population databases (gnomAD no frequency). This missense change has been observed in individual(s) with CDK13-related conditions (PMID: 36599938). In at least one individual the variant was observed to be de novo. Advanced modeling of protein sequence and biophysical properties (such as structural, functional, and spatial information, amino acid conservation, physicochemical variation, residue mobility, and thermodynamic stability) performed at Invitae indicates that this missense variant is expected to disrupt CDK13 protein function with a positive predictive value of 95%. For these reasons, this variant has been classified as Pathogenic.

Literature cited by the submitters: PubMed 36599938.